The following is an entry in ClinVar:

ClinVar aggregate classification (germline): Likely pathogenic. Review status: criteria provided, multiple submitters, no conflicts (2 of 4 stars). 3 submissions from 3 submitters: Likely pathogenic (3). Last evaluated 2025-05-19.

Conditions:
CFTR-related disorder (CFTR-RD). Also called: CFTR-related disorders; CFTR-related condition. Identifiers: MedGen C5924204, MONDO:7770004.
Cystic fibrosis (CF). Also called: MUCOVISCIDOSIS. Identifiers: Orphanet 586, MedGen C0010674, MONDO:0009061, OMIM 219700. Disease mechanism: loss of function.

Submissions (3):

Natera, Inc.
Classification: Likely pathogenic for CFTR-related disorders. Last evaluated: 2025-05-19. Review status: criteria provided, single submitter. Criteria: Natera Variant Classification Schema (03/2026). Collection method: clinical testing. Allele origin: germline.
Comment: The c.273G>C variant in CFTR is a synonymous variant that does not alter the encoded amino acid at position 91 (p.G91=). This variant is rare in the general population with a frequency below the threshold expected for the associated phenotype(s). This variant has been observed in one or more individuals affected with the associated recessive disease, as either homozygous or compound heterozygous with a second variant (PMID: 25636364). Functional studies show that this variant may disrupt protein function (PMID: 25636364). Computational prediction algorithms indicate this variant is likely to affect gene or protein function. Given the available evidence, this variant is classified as Likely Pathogenic.

Women's Health and Genetics/Laboratory Corporation of America, LabCorp
Classification: Likely pathogenic for Cystic fibrosis. Last evaluated: 2025-04-25. Review status: criteria provided, single submitter. Criteria: LabCorp Variant Classification Summary - May 2015. Collection method: clinical testing. Allele origin: germline.
Comment: Variant summary: CFTR c.273G>C (p.Gly91Gly) alters a conserved nucleotide located close to a canonical splice site and therefore could affect mRNA splicing, leading to a significantly altered protein sequence. Several computational tools predict a significant impact on normal splicing: One predicts the variant abolishes a 5' splicing donor site. Two predict the variant weakens a 5' donor site. At least one publication reports experimental evidence that this variant affects mRNA splicing, resulting in skipping of exon 3 (Tomaiuolo_2015). The variant was absent in 250594 control chromosomes. c.273G>C has been observed in at least one individual affected with Cystic Fibrosis (Tomaiuolo_2015). The following publications have been ascertained in the context of this evaluation (PMID: 25636364, 27264265). ClinVar contains an entry for this variant (Variation ID: 495909). Based on the evidence outlined above, the variant was classified as likely pathogenic.

Labcorp Genetics (formerly Invitae), Labcorp
Classification: Likely pathogenic for Cystic fibrosis. Last evaluated: 2024-08-08. Review status: criteria provided, single submitter. Criteria: Invitae Variant Classification Sherloc (09022015). Collection method: clinical testing. Allele origin: germline.
Comment: This sequence change affects codon 91 of the CFTR mRNA. It is a 'silent' change, meaning that it does not change the encoded amino acid sequence of the CFTR protein. RNA analysis indicates that this variant induces altered splicing and may result in an absent or altered protein product. This variant is not present in population databases (gnomAD no frequency). This variant has been observed in individual(s) with CFTR-related conditions (PMID: 25636364, 27264265). In at least one individual the data is consistent with being in trans (on the opposite chromosome) from a pathogenic variant. ClinVar contains an entry for this variant (Variation ID: 495909). Variants that disrupt the consensus splice site are a relatively common cause of aberrant splicing (PMID: 17576681, 9536098). Studies have shown that this variant results in skipping of exon 3, and produces a non-functional protein and/or introduces a premature termination codon (PMID: 25636364). In summary, the currently available evidence indicates that the variant is pathogenic, but additional data are needed to prove that conclusively. Therefore, this variant has been classified as Likely Pathogenic.

Literature cited by the submitters: PubMed 25636364 (cited by 3 submitters); PubMed 27264265 (cited by Women's Health and Genetics/Laboratory Corporation of America, LabCorp and Labcorp Genetics (formerly Invitae), Labcorp); PubMed 17576681 (cited by Labcorp Genetics (formerly Invitae), Labcorp); PubMed 9536098 (cited by Labcorp Genetics (formerly Invitae), Labcorp).

NM_000492.4(CFTR):c.273G>C (p.Gly91=)

Gene: CFTR (CF transmembrane conductance regulator; plus strand). Cytogenetic location: 7q31.2.
Variant type: single nucleotide variant.
Coding change: c.273G>C on transcript NM_000492.4 (MANE Select); coding-DNA position 273, G replaced by C.
Protein change: p.Gly91=; no amino-acid change (glycine 91 retained).
Molecular consequence: synonymous variant.
Genome position (GRCh38, 1-based): chr7:117,509,142, G>C. VCF-style: chr7-117509142-G-C. GRCh37 (hg19) VCF-style: chr7-117149196-G-C.
Identifiers: ClinVar variation 495909 (VCV000495909.13), dbSNP rs773739166, ClinGen allele CA457225729.